The following is an entry in ClinVar:

ClinVar aggregate classification (germline): Conflicting classifications of pathogenicity. Review status: criteria provided, conflicting classifications (1 of 4 stars). 2 submissions from 2 submitters: Uncertain significance (1); Benign (1). Last evaluated 2025-05-17.

Conditions:
Hereditary cancer-predisposing syndrome. Also called: Neoplastic Syndromes, Hereditary; Tumor predisposition; Hereditary neoplastic syndrome; Hereditary Cancer Syndrome. Identifiers: Orphanet 140162, MedGen C0027672, MeSH D009386, MONDO:0015356.
Tuberous sclerosis 2 (TSC2). Identifiers: Orphanet 805, MedGen C1860707, MONDO:0013199, OMIM 613254.

Allele frequency attached by ClinVar (database versions not stated): gnomAD exomes below 0.00001.
gnomAD v4.1: 1 of 1,613,618 alleles (0.000062%); highest among the groups gnomAD compares: Non-Finnish European, 0.000085%; no homozygotes.

Submissions (2):

Ambry Genetics
Classification: Uncertain significance for Hereditary cancer-predisposing syndrome. Last evaluated: 2025-05-17. Review status: criteria provided, single submitter. Criteria: Ambry Variant Classification Scheme 2023. Collection method: clinical testing. Allele origin: germline.
Comment: The p.G756S variant (also known as c.2266G>A), located in coding exon 20 of the TSC2 gene, results from a G to A substitution at nucleotide position 2266. The glycine at codon 756 is replaced by serine, an amino acid with similar properties. This amino acid position is conserved. In addition, the in silico prediction for this alteration is inconclusive. Based on the available evidence, the clinical significance of this variant remains unclear.

Labcorp Genetics (formerly Invitae), Labcorp
Classification: Benign for Tuberous sclerosis 2. Last evaluated: 2024-01-25. Review status: criteria provided, single submitter. Criteria: Invitae Variant Classification Sherloc (09022015). Collection method: clinical testing. Allele origin: germline.

NM_000548.5(TSC2):c.2266G>A (p.Gly756Ser)

Gene: TSC2 (TSC complex subunit 2; plus strand). Cytogenetic location: 16p13.3.
Variant type: single nucleotide variant.
Coding change: c.2266G>A on transcript NM_000548.5 (MANE Select); coding-DNA position 2266, G replaced by A.
Protein change: p.Gly756Ser; replaces glycine 756 with serine.
Molecular consequence: missense variant.
Genome position (GRCh38, 1-based): chr16:2,072,894, G>A. VCF-style: chr16-2072894-G-A. GRCh37 (hg19) VCF-style: chr16-2122895-G-A.
Other names: c.2266G>A, p.Gly756Ser (NM_001077183.3, NM_001114382.3, NM_001363528.2 and 6 more transcripts); c.2155G>A, p.Gly719Ser (NM_001318827.2, NM_001406670.1, NM_001406678.1); c.2119G>A, p.Gly707Ser (NM_001318829.2, NM_001406675.1, NM_001406676.1 and 1 more transcripts); c.1666G>A, p.Gly556Ser (NM_001318831.2, NM_001406683.1, NM_001406684.1 and 6 more transcripts); c.2299G>A, p.Gly767Ser (NM_001318832.2); c.2356G>A, p.Gly786Ser (NM_001406667.1, NM_001406668.1); c.922G>A, p.Gly308Ser (NM_001406689.1, NM_001406690.1, NM_001406691.1 and 6 more transcripts); c.664G>A, p.Gly222Ser (NM_001406698.1); and 3 more; short protein forms G308S, G719S, G556S, G756S, G786S, G222S, G602S, G707S.
Identifiers: ClinVar variation 1915155 (VCV001915155.6), dbSNP rs1285714005, ClinGen allele CA394276541.